The following is an entry in ClinVar:

ClinVar aggregate classification (germline): Uncertain significance (1 of 4 stars; one submission).

Conditions:
ZBTB7A-related disorder. Also called: ZBTB7A-related condition.

Submission:

PreventionGenetics, part of Exact Sciences
Classification: Uncertain significance for ZBTB7A-related condition. Last evaluated: 2025-07-27. Review status: criteria provided, single submitter. Criteria: ACMG Guidelines, 2015. Collection method: clinical testing. Allele origin: germline.
Comment: The ZBTB7A c.796G>T variant is predicted to result in the amino acid substitution p.Ala266Ser. To our knowledge, this variant has not been reported in the literature. This variant is reported in 0.0066% of alleles in individuals of European (Non-Finnish) descent in gnomAD. At this time, the clinical significance of this variant is uncertain due to the absence of conclusive functional and genetic evidence.

NM_015898.4(ZBTB7A):c.796G>T (p.Ala266Ser)

Gene: ZBTB7A (zinc finger and BTB domain containing 7A; minus strand). Cytogenetic location: 19p13.3.
Variant type: single nucleotide variant.
Coding change: c.796G>T on transcript NM_015898.4 (MANE Select); coding-DNA position 796, G replaced by T.
Protein change: p.Ala266Ser; replaces alanine 266 with serine.
Molecular consequence: missense variant.
Genome position (GRCh38, 1-based): chr19:4,054,437, C>A on the plus strand (G>T on the coding strand, the complement: ZBTB7A is on the minus strand). VCF-style: chr19-4054437-C-A. GRCh37 (hg19) VCF-style: chr19-4054435-C-A.
Other names: c.796G>T, p.Ala266Ser (NM_001317990.2); short protein forms A266S.
Identifiers: ClinVar variation 4977856 (VCV004977856.1).